The following is an entry in ClinVar:

NM_002180.3(IGHMBP2):c.1483G>A (p.Gly495Ser)

Gene: IGHMBP2 (immunoglobulin mu DNA binding protein 2; plus strand). Cytogenetic location: 11q13.3.
Variant type: single nucleotide variant.
Coding change: c.1483G>A on transcript NM_002180.3 (MANE Select); coding-DNA position 1483, G replaced by A.
Protein change: p.Gly495Ser; replaces glycine 495 with serine.
Molecular consequence: missense variant.
Genome position (GRCh38, 1-based): chr11:68,933,859, G>A. VCF-style: chr11-68933859-G-A. GRCh37 (hg19) VCF-style: chr11-68701327-G-A.
Other names: c.1483G>A (NM_002180.2); short protein forms G495S.
Identifiers: ClinVar variation 1127201 (VCV001127201.12), dbSNP rs201964221, ClinGen allele CA6153660.
Genomic context (GRCh38, chr11:68,933,859, plus strand): 5'-CTCCCAGGTGTGGCTGCCACAGAAGAGACGGGTGTGCCCCTGCTCTTGGTGGACACCGCC[G>A]GCTGCGGGCTGTTTGAGCTGGAGGAGGAGGACGAACAGTCGAAAGGGAACCCTGGTGAGC-3'
Protein context (NP_002171.2, residues 485-505): GVPLLLVDTA[Gly495Ser]CGLFELEEED

ClinVar aggregate classification (germline): Conflicting classifications of pathogenicity. Review status: criteria provided, conflicting classifications (1 of 4 stars). 3 submissions from 3 submitters: Uncertain significance (2); Likely benign (1). Last evaluated 2026-08-13.

Conditions:
IGHMBP2-related disorder. Also called: IGHMBP2-related disorders; IGHMBP2-related condition.
Charcot-Marie-Tooth disease axonal type 2S. Also called: CHARCOT-MARIE-TOOTH DISEASE, AXONAL, AUTOSOMAL RECESSIVE, TYPE 2S; CHARCOT-MARIE-TOOTH NEUROPATHY, TYPE 2S. Identifiers: Orphanet 443073, MedGen C4015349, MONDO:0014511, OMIM 616155.
Autosomal recessive distal spinal muscular atrophy 1. Also called: NEURONOPATHY, DISTAL HEREDITARY MOTOR, HARDING TYPE VI; NEUROPATHY, DISTAL HEREDITARY MOTOR, AUTOSOMAL RECESSIVE 1; HMN VI; NEURONOPATHY, SEVERE INFANTILE AXONAL, WITH RESPIRATORY FAILURE; SEVERE INFANTILE AXONAL NEUROPATHY WITH RESPIRATORY FAILURE; SPINAL MUSCULAR ATROPHY, DIAPHRAGMATIC. Identifiers: Orphanet 98920, MedGen C1858517, MONDO:0011436, OMIM 604320.

Allele frequency attached by ClinVar (database versions not stated): gnomAD 0.00001 and 0.00002; TOPMed 0.00012; 1000 Genomes Project 30x 0.00016; 1000 Genomes Project 0.00020; ExAC 0.00020.
gnomAD v4.1: 55 of 1,606,828 alleles (0.0034%); highest among the groups gnomAD compares: East Asian, 0.087%; no homozygotes.

Submissions (3):

PreventionGenetics, part of Exact Sciences
Classification: Uncertain significance for IGHMBP2-related condition. Last evaluated: 2026-08-13. Review status: criteria provided, single submitter. Criteria: ACMG Guidelines, 2015. Collection method: clinical testing. Allele origin: germline.
Comment: The IGHMBP2 c.1483G>A variant is predicted to result in the amino acid substitution p.Gly495Ser. This variant has been reported as a variant of uncertain significance in a large cohort study of Charcot-Marie-Tooth disease; however, additional evidence was not provided (Suppl. Table 5, Xie et al. 2021. PubMed ID: 34255403). Although we suspect that this variant may be benign, at this time, the clinical significance of this variant is uncertain due to the absence of conclusive functional and genetic evidence.

Labcorp Genetics (formerly Invitae), Labcorp
Classification: Likely benign for Autosomal recessive distal spinal muscular atrophy 1; Charcot-Marie-Tooth disease axonal type 2S. Last evaluated: 2025-03-09. Review status: criteria provided, single submitter. Criteria: Invitae Variant Classification Sherloc (09022015). Collection method: clinical testing. Allele origin: germline.

Revvity Omics, Revvity
Classification: Uncertain significance. Last evaluated: 2019-07-25. Review status: criteria provided, single submitter. Criteria: ACMG Guidelines, 2015. Collection method: clinical testing. Allele origin: germline.